The following is an entry in ClinVar:

ClinVar aggregate classification (germline): Benign (1 of 4 stars; one submission).

Conditions:
Familial cancer of breast. Also called: Hereditary breast cancer; hereditary breast carcinoma; BREAST CANCER, FAMILIAL. Identifiers: Orphanet 227535, MedGen C0346153, MONDO:0016419, OMIM 114480. Disease mechanism: loss of function.

Submission:

Myriad Genetics, Inc.
Classification: Benign for Familial cancer of breast. Last evaluated: 2025-01-17. Review status: criteria provided, single submitter. Criteria: Myriad Autosomal Dominant, Autosomal Recessive and X-Linked Classification Criteria (2023). Collection method: clinical testing. Allele origin: unknown.
Comment: This variant is considered benign. This variant is a silent/synonymous amino acid change and it is not expected to impact splicing.

NM_024675.4(PALB2):c.2697A>G (p.Lys899=)

Gene: PALB2 (partner and localizer of BRCA2; minus strand). Cytogenetic location: 16p12.2.
Variant type: single nucleotide variant.
Coding change: c.2697A>G on transcript NM_024675.4 (MANE Select); coding-DNA position 2697, A replaced by G.
Protein change: p.Lys899=; no amino-acid change (lysine 899 retained).
Molecular consequence: synonymous variant. On other transcripts: intron variant (3).
Genome position (GRCh38, 1-based): chr16:23,626,287, T>C on the plus strand (A>G on the coding strand, the complement: PALB2 is on the minus strand). VCF-style: chr16-23626287-T-C. GRCh37 (hg19) VCF-style: chr16-23637608-T-C.
Other names: c.2637A>G, p.Lys879= (NM_001407296.1); c.2625A>G, p.Lys875= (NM_001407297.1); c.2697A>G, p.Lys899= (NM_001407299.1, NM_001407300.1, NM_001407301.1); c.1812A>G, p.Lys604= (NM_001407304.1, NM_001407305.1, NM_001407306.1 and 4 more transcripts); c.909A>G, p.Lys303= (NM_001407312.1, NM_001407313.1); c.231A>G, p.Lys77= (NM_001407314.1); c.2587-2193A>G (NM_001407302.1, NM_001407298.1); c.1702-2193A>G (NM_001407307.1).
Identifiers: ClinVar variation 3903694 (VCV003903694.1).